The following is an entry in ClinVar:

ClinVar aggregate classification (germline): Uncertain significance (1 of 4 stars; one submission).

Conditions:
Familial meningioma. Also called: Meningioma, familial, susceptibility to. Identifiers: Orphanet 263662, MedGen C3551915, MONDO:0011789, OMIM 607174.

Submission:

Labcorp Genetics (formerly Invitae), Labcorp
Classification: Uncertain significance for Familial meningioma. Last evaluated: 2024-12-03. Review status: criteria provided, single submitter. Criteria: Invitae Variant Classification Sherloc (09022015). Collection method: clinical testing. Allele origin: germline.
Comment: This sequence change replaces glutamine, which is neutral and polar, with leucine, which is neutral and non-polar, at codon 18 of the SMARCE1 protein (p.Gln18Leu). This variant is not present in population databases (gnomAD no frequency). This variant has not been reported in the literature in individuals affected with SMARCE1-related conditions. An algorithm developed to predict the effect of missense changes on protein structure and function (PolyPhen-2) suggests that this variant is likely to be tolerated. In summary, the available evidence is currently insufficient to determine the role of this variant in disease. Therefore, it has been classified as a Variant of Uncertain Significance.

NM_003079.5(SMARCE1):c.53A>T (p.Gln18Leu)

Gene: SMARCE1 (SWI/SNF related BAF chromatin remodeling complex subunit E1; minus strand). Cytogenetic location: 17q21.2.
Variant type: single nucleotide variant.
Coding change: c.53A>T on transcript NM_003079.5 (MANE Select); coding-DNA position 53, A replaced by T.
Protein change: p.Gln18Leu; replaces glutamine 18 with leucine.
Molecular consequence: missense variant.
Genome position (GRCh38, 1-based): chr17:40,642,558, T>A on the plus strand (A>T on the coding strand, the complement: SMARCE1 is on the minus strand). VCF-style: chr17-40642558-T-A. GRCh37 (hg19) VCF-style: chr17-38798810-T-A.
Other names: short protein forms Q18L.
Identifiers: ClinVar variation 3726550 (VCV003726550.2).